The following is an entry in ClinVar:

NM_016955.4(SEPSECS):c.242C>T (p.Ser81Phe)

Gene: SEPSECS (Sep (O-phosphoserine) tRNA:Sec (selenocysteine) tRNA synthase; minus strand). Cytogenetic location: 4p15.2.
Variant type: single nucleotide variant.
Coding change: c.242C>T on transcript NM_016955.4 (MANE Select); coding-DNA position 242, C replaced by T.
Protein change: p.Ser81Phe; replaces serine 81 with phenylalanine.
Molecular consequence: missense variant.
Genome position (GRCh38, 1-based): chr4:25,158,980, G>A on the plus strand (C>T on the coding strand, the complement: SEPSECS is on the minus strand). VCF-style: chr4-25158980-G-A. GRCh37 (hg19) VCF-style: chr4-25160602-G-A.
Other names: c.497C>T, p.Ser166Phe (NM_001410714.1); c.242C>T, p.Ser81Phe (NM_153825.2); short protein forms S166F, S81F.
Identifiers: ClinVar variation 2102268 (VCV002102268.2), dbSNP rs1296811065, ClinGen allele CA356543284.
Genomic context (GRCh38, chr4:25,158,980, plus strand): 5'-GATGTATCTCCTGTACTACTTAAAAAAAGATACCTGTAATGACGACGAGCAACCAGTGCG[G>A]ATGCCACTCTCCCTTCCCTTTCTCCCACACCACAATTGCCTAAGAAATTGTTGCTGTCCA-3'
Protein context (NP_058651.3, residues 71-91): GVGEREGRVA[Ser81Phe]ALVARRHYRF

ClinVar aggregate classification (germline): Uncertain significance (1 of 4 stars; one submission).

Submission:

Labcorp Genetics (formerly Invitae), Labcorp
Classification: Uncertain significance. Last evaluated: 2023-12-18. Review status: criteria provided, single submitter. Criteria: Invitae Variant Classification Sherloc (09022015). Collection method: clinical testing. Allele origin: germline.
Comment: This sequence change replaces serine, which is neutral and polar, with phenylalanine, which is neutral and non-polar, at codon 81 of the SEPSECS protein (p.Ser81Phe). This variant is not present in population databases (gnomAD no frequency). This variant has not been reported in the literature in individuals affected with SEPSECS-related conditions. ClinVar contains an entry for this variant (Variation ID: 2102268). Advanced modeling of protein sequence and biophysical properties (such as structural, functional, and spatial information, amino acid conservation, physicochemical variation, residue mobility, and thermodynamic stability) performed at Invitae indicates that this missense variant is expected to disrupt SEPSECS protein function with a positive predictive value of 80%. In summary, the available evidence is currently insufficient to determine the role of this variant in disease. Therefore, it has been classified as a Variant of Uncertain Significance.